The following is an entry in ClinVar:

ClinVar aggregate classification (germline): Uncertain significance (1 of 4 stars; one submission).

Conditions:
Peroxisome biogenesis disorder 7A (Zellweger). Also called: Peroxisome biogenesis disorder 7A. Identifiers: Orphanet 912, MedGen C3888385, MONDO:0013938, OMIM 614872.
Peroxisome biogenesis disorder 7B (PBD7B). Identifiers: Orphanet 44, MedGen C3553951, MONDO:0013939, OMIM 614873.

Submission:

Labcorp Genetics (formerly Invitae), Labcorp
Classification: Uncertain significance for Peroxisome biogenesis disorder 7A (Zellweger); Peroxisome biogenesis disorder 7B. Last evaluated: 2022-07-12. Review status: criteria provided, single submitter. Criteria: Invitae Variant Classification Sherloc (09022015). Collection method: clinical testing. Allele origin: germline.
Comment: This variant is not present in population databases (gnomAD no frequency). In summary, the available evidence is currently insufficient to determine the role of this variant in disease. Therefore, it has been classified as a Variant of Uncertain Significance. Algorithms developed to predict the effect of missense changes on protein structure and function (SIFT, PolyPhen-2, Align-GVGD) all suggest that this variant is likely to be disruptive. ClinVar contains an entry for this variant (Variation ID: 1488571). This variant has not been reported in the literature in individuals affected with PEX26-related conditions. This sequence change replaces isoleucine, which is neutral and non-polar, with threonine, which is neutral and polar, at codon 125 of the PEX26 protein (p.Ile125Thr).

NM_001127649.3(PEX26):c.374T>C (p.Ile125Thr)

Gene: PEX26 (peroxisomal biogenesis factor 26; plus strand). Cytogenetic location: 22q11.21.
Variant type: single nucleotide variant.
Coding change: c.374T>C on transcript NM_001127649.3 (MANE Select); coding-DNA position 374, T replaced by C.
Protein change: p.Ile125Thr; replaces isoleucine 125 with threonine.
Molecular consequence: missense variant.
Genome position (GRCh38, 1-based): chr22:18,083,439, T>C. VCF-style: chr22-18083439-T-C. GRCh37 (hg19) VCF-style: chr22-18566205-T-C.
Other names: c.374T>C, p.Ile125Thr (NM_001199319.2, NM_017929.6); short protein forms I125T.
Identifiers: ClinVar variation 1488571 (VCV001488571.8), dbSNP rs2123654101, ClinGen allele CA410267041.